The following is an entry in ClinVar:

NM_152564.5(VPS13B):c.1368C>A (p.Cys456Ter)

Gene: VPS13B (vacuolar protein sorting 13 homolog B; plus strand). Cytogenetic location: 8q22.2.
Variant type: single nucleotide variant.
Coding change: c.1368C>A on transcript NM_152564.5 (MANE Select); coding-DNA position 1368, C replaced by A.
Protein change: p.Cys456Ter; replaces cysteine 456 with a stop codon.
Molecular consequence: nonsense.
Genome position (GRCh38, 1-based): chr8:99,135,080, C>A. VCF-style: chr8-99135080-C-A. GRCh37 (hg19) VCF-style: chr8-100147308-C-A.
Other names: c.1368C>A, p.Cys456Ter (NM_015243.3, NM_017890.5); short protein forms C456*.
Identifiers: ClinVar variation 5014237 (VCV005014237.1).
Genomic context (GRCh38, chr8:99,135,080, plus strand): 5'-TATGATGGGAGAACCTTTCTTTGATTGCCAGATTGGGTTTGTTGGTTGCAGAGCCATGTG[C>A]CTTAAAGGAATTATGGGTGTTAAAGATTTTGAAGAGAATATGAATAGAAGTGAAACTGTA-3'

ClinVar aggregate classification (germline): Pathogenic (1 of 4 stars; one submission).

Conditions:
Cohen syndrome (COH1). Also called: PEPPER SYNDROME; Cutis verticis gyrata, retinitis pigmentosa, and sensorineural deafness. Identifiers: Orphanet 193, MedGen C0265223, MONDO:0008999, OMIM 216550.

Submission:

Myriad Genetics, Inc.
Classification: Pathogenic for Cohen syndrome. Last evaluated: 2025-03-21. Review status: criteria provided, single submitter. Criteria: Myriad Autosomal Dominant, Autosomal Recessive and X-Linked Classification Criteria (2023). Collection method: clinical testing. Allele origin: unknown.
Comment: NM_017890.4(VPS13B):c.1368C>A(C456*) is expected to be pathogenic in the context of Cohen syndrome. This variant is predicted to lead to an abnormal or absent protein product due to the creation of a premature termination codon in VPS13B, a gene where loss-of-function variants are known to be pathogenic. Please note: this variant was assessed in the context of healthy population screening.